The following is an entry in ClinVar:

NM_032730.5(RTN4IP1):c.52del (p.Cys18fs)

Gene: RTN4IP1 (reticulon 4 interacting protein 1; minus strand). Cytogenetic location: 6q21.
Variant type: Deletion.
Coding change: c.52del on transcript NM_032730.5 (MANE Select); coding-DNA position 52, one base deleted (T; older notation c.52delT).
Protein change: p.Cys18fs; shifts the reading frame from cysteine 18.
Molecular consequence: frameshift variant. On other transcripts: intron variant (1).
Genome position (GRCh38, 1-based): chr6:106,628,970, A deleted on the plus strand (T on the coding strand, the reverse complement: RTN4IP1 is on the minus strand); the first of 3 consecutive A bases (chr6:106,628,970-106,628,972); deleting any one gives the same sequence. VCF-style (leftmost placement, unchanged base first): chr6-106628969-CA-C. GRCh37 (hg19) VCF-style: chr6-107076844-CA-C.
Other names: c.-27+1357del (NM_001318746.1); short protein forms C18fs.
Identifiers: ClinVar variation 954709 (VCV000954709.7), dbSNP rs1776734650, ClinGen allele CA913109344.

ClinVar aggregate classification (germline): Pathogenic (1 of 4 stars; one submission).

Submission:

Labcorp Genetics (formerly Invitae), Labcorp
Classification: Pathogenic. Last evaluated: 2022-07-05. Review status: criteria provided, single submitter. Criteria: Invitae Variant Classification Sherloc (09022015). Collection method: clinical testing. Allele origin: germline.
Comment: This sequence change creates a premature translational stop signal (p.Cys18Alafs*30) in the RTN4IP1 gene. It is expected to result in an absent or disrupted protein product. Loss-of-function variants in RTN4IP1 are known to be pathogenic (PMID: 26593267). This variant is not present in population databases (gnomAD no frequency). This variant has not been reported in the literature in individuals affected with RTN4IP1-related conditions. ClinVar contains an entry for this variant (Variation ID: 954709). For these reasons, this variant has been classified as Pathogenic.

Literature cited by the submitters: PubMed 26593267.